The following is an entry in ClinVar:

ClinVar aggregate classification (germline): Likely pathogenic (1 of 4 stars; one submission).

Conditions:
Schaaf-Yang syndrome (SHFYNG). Also called: MAGEL2-related Prader-Willi-like syndrome; Arthrogryposis, distal, with hypopituitarism, intellectual disability, and facial anomalies. Identifiers: Orphanet 398069, MedGen C5575066, MONDO:0014243, OMIM 615547.

Submission:

3billion
Classification: Likely pathogenic for Schaaf-Yang syndrome. Last evaluated: 2025-06-12. Review status: criteria provided, single submitter. Criteria: ACMG Guidelines, 2015. Collection method: clinical testing. Allele origin: germline. Affected: yes.
Comment: The variant is observed at an extremely low frequency in the gnomAD v4.1.0 dataset (total allele frequency: <0.001%). Predicted Consequence/Location: Frameshift: predicted to result in a loss or disruption of normal protein function through protein truncation. The predicted truncated protein may be shortened by more than 10% and a dominant negative effect has been reported near truncated region. Therefore, this variant is classified as Likely pathogenic according to the recommendation of ACMG/AMP guideline.

NM_019066.5(MAGEL2):c.2122del (p.Leu708fs)

Gene: MAGEL2 (MAGE family member L2; minus strand). Cytogenetic location: 15q11.2.
Variant type: Deletion.
Coding change: c.2122del on transcript NM_019066.5 (MANE Select); coding-DNA position 2122, one base deleted (C; older notation c.2122delC).
Protein change: p.Leu708fs; shifts the reading frame from leucine 708.
Molecular consequence: frameshift variant.
Genome position (GRCh38, 1-based): chr15:23,645,621, G deleted on the plus strand (C on the coding strand, the reverse complement: MAGEL2 is on the minus strand); the first of 4 consecutive G bases (chr15:23,645,621-23,645,624); deleting any one gives the same sequence. VCF-style (leftmost placement, unchanged base first): chr15-23645620-AG-A. GRCh37 (hg19) VCF-style: chr15-23890767-AG-A.
Other names: short protein forms L708fs.
Identifiers: ClinVar variation 4855244 (VCV004855244.1).
Genomic context (GRCh38, chr15:23,645,620, plus strand): 5'-CGGTCTATAGAAGAGGCCCTGCATTCTCCTGATGGAGTCATCAATGATTTAGCGGAGCCC[AG>A]GGGAAAATTTGCCGCTGCTACCGGGGGTCCGGGCTGGGCCTGCAAGACTGCAGGCGGTGC-3'